The following is an entry in ClinVar:

NM_002253.4(KDR):c.3849T>A (p.Gly1283=)

Gene: KDR (kinase insert domain receptor; minus strand). Cytogenetic location: 4q12.
Variant type: single nucleotide variant.
Coding change: c.3849T>A on transcript NM_002253.4 (MANE Select); coding-DNA position 3849, T replaced by A.
Protein change: p.Gly1283=; no amino-acid change (glycine 1283 retained).
Molecular consequence: synonymous variant.
Genome position (GRCh38, 1-based): chr4:55,080,163, A>T on the plus strand (T>A on the coding strand, the complement: KDR is on the minus strand). VCF-style: chr4-55080163-A-T. GRCh37 (hg19) VCF-style: chr4-55946330-A-T.
Identifiers: ClinVar variation 3038057 (VCV003038057.2), dbSNP rs139803589, ClinGen allele CA2923969.
Genomic context (GRCh38, chr4:55,080,163, plus strand): 5'-GCTTGTCTGGTTTGAGCCTTCAGATGCCACAGACTCCCTGCTTTTGCTGGGCACCATTCC[A>T]CTGCAGAAGAAATGGCAAACAAAGGAGTTGGCAGAGAGAAGACAATTCTTTTGCTTTTTA-3'
Protein context (NP_002244.1, residues 1273-1293): EDRTKLSPSF[Gly1283=]GMVPSKSRES

ClinVar aggregate classification (germline): Likely benign (0 of 4 stars; one submission).

Conditions:
KDR-related disorder. Also called: KDR-related condition.

Allele frequency attached by ClinVar (database versions not stated): 1000 Genomes Project 30x 0.00016; 1000 Genomes Project 0.00020; gnomAD 0.00039; ESP Exome Variant Server 0.00062.
gnomAD v4.1: 112 of 1,612,746 alleles (0.0069%); highest among the groups gnomAD compares: African/African-American, 0.14%; no homozygotes.

Submission:

PreventionGenetics, part of Exact Sciences
Classification: Likely benign for KDR-related condition. Last evaluated: 2019-11-12. Review status: no assertion criteria provided. Collection method: clinical testing. Allele origin: germline.
Comment: This variant is classified as likely benign based on ACMG/AMP sequence variant interpretation guidelines (Richards et al. 2015 PMID: 25741868, with internal and published modifications).